The following is an entry in ClinVar:

ClinVar aggregate classification (germline): Uncertain significance (1 of 4 stars; one submission).

Conditions:
Brugada syndrome 4 (BRGDA4). Identifiers: Orphanet 130, MedGen C2678477, MONDO:0012743, OMIM 611876.

Submission:

Labcorp Genetics (formerly Invitae), Labcorp
Classification: Uncertain significance for Brugada syndrome 4. Last evaluated: 2019-10-26. Review status: criteria provided, single submitter. Criteria: Invitae Variant Classification Sherloc (09022015). Collection method: clinical testing. Allele origin: germline.
Comment: In summary, the available evidence is currently insufficient to determine the role of this variant in disease. Therefore, it has been classified as a Variant of Uncertain Significance. This variant, c.1582_1602del, results in the deletion of 7 amino acid(s) of the CACNB2 protein (p.Tyr528_His534del), but otherwise preserves the integrity of the reading frame. This variant is not present in population databases (ExAC no frequency). This variant has not been reported in the literature in individuals with CACNB2-related conditions. Experimental studies and prediction algorithms are not available or were not evaluated, and the functional significance of this variant is currently unknown.

NM_201596.3(CACNB2):c.1744_1764del (p.Tyr582_His588del)

Gene: CACNB2 (calcium voltage-gated channel auxiliary subunit beta 2; plus strand). Cytogenetic location: 10p12.31.
Variant type: Deletion.
Coding change: c.1744_1764del on transcript NM_201596.3 (MANE Select); coding-DNA positions 1744 to 1764, 21 bases deleted (TATGCCTCACACCGTGACCAC).
Protein change: p.Tyr582_His588del.
Molecular consequence: inframe deletion.
Genome position (GRCh38, 1-based): chr10:18,539,485-18,539,505, TATGCCTCACACCGTGACCAC deleted; deleting any 21 consecutive bases within chr10:18,539,479-18,539,505 gives the same sequence; the c. name uses the placement nearest the transcript's 3' end. VCF-style (leftmost placement, unchanged base first): chr10-18539478-GGACCACTATGCCTCACACCGT-G. GRCh37 (hg19) VCF-style: chr10-18828407-GGACCACTATGCCTCACACCGT-G.
Other names: c.1579_1599del, p.Tyr527_His533del (NM_000724.4); c.1546_1566del, p.Tyr516_His522del (NM_001167945.2); c.1465_1485del, p.Tyr489_His495del (NM_001330060.2); c.1600_1620del, p.Tyr534_His540del (NM_201570.3); c.1660_1680del, p.Tyr554_His560del (NM_201571.4); c.1588_1608del, p.Tyr530_His536del (NM_201572.4); c.1582_1602del, p.Tyr528_His534del (NM_201590.3); c.1630_1650del, p.Tyr544_His550del (NM_201593.3); and 1 more.
Identifiers: ClinVar variation 966691 (VCV000966691.9), dbSNP rs2053933206, ClinGen allele CA1139661404.